The following is an entry in ClinVar:

ClinVar aggregate classification (germline): Conflicting classifications of pathogenicity. Review status: criteria provided, conflicting classifications (1 of 4 stars). 4 submissions from 4 submitters: Uncertain significance (1); Benign (1); Likely benign (2). Last evaluated 2025-06-04.

Conditions:
Hereditary cancer-predisposing syndrome. Also called: Hereditary neoplastic syndrome; Hereditary Cancer Syndrome; Tumor predisposition; Neoplastic Syndromes, Hereditary. Identifiers: Orphanet 140162, MedGen C0027672, MeSH D009386, MONDO:0015356.
Tuberous sclerosis 2 (TSC2). Identifiers: Orphanet 805, MedGen C1860707, MONDO:0013199, OMIM 613254.

gnomAD v4.1: 1 of 1,612,912 alleles (0.000062%); no homozygotes.

Submissions (4):

Myriad Genetics, Inc.
Classification: Benign for Tuberous sclerosis 2. Last evaluated: 2025-06-04. Review status: criteria provided, single submitter. Criteria: Myriad Autosomal Dominant, Autosomal Recessive and X-Linked Classification Criteria (2023). Collection method: clinical testing. Allele origin: unknown.
Comment: This variant is considered benign. This variant is a silent/synonymous amino acid change and it is not expected to impact splicing.

Ambry Genetics
Classification: Likely benign for Hereditary cancer-predisposing syndrome. Last evaluated: 2025-05-31. Review status: criteria provided, single submitter. Criteria: Ambry Variant Classification Scheme 2023. Collection method: clinical testing. Allele origin: germline.

Quest Diagnostics Nichols Institute San Juan Capistrano
Classification: Uncertain significance. Last evaluated: 2025-04-08. Review status: criteria provided, single submitter. Criteria: Quest Diagnostics criteria. Collection method: clinical testing. Allele origin: unknown.

Labcorp Genetics (formerly Invitae), Labcorp
Classification: Likely benign for Tuberous sclerosis 2. Last evaluated: 2023-05-02. Review status: criteria provided, single submitter. Criteria: Invitae Variant Classification Sherloc (09022015). Collection method: clinical testing. Allele origin: germline.

NM_000548.5(TSC2):c.4750C>T (p.Leu1584=)

Gene: TSC2 (TSC complex subunit 2; plus strand). Cytogenetic location: 16p13.3.
Variant type: single nucleotide variant.
Coding change: c.4750C>T on transcript NM_000548.5 (MANE Select); coding-DNA position 4750, C replaced by T.
Protein change: p.Leu1584=; no amino-acid change (leucine 1584 retained).
Molecular consequence: synonymous variant.
Genome position (GRCh38, 1-based): chr16:2,086,280, C>T. VCF-style: chr16-2086280-C-T. GRCh37 (hg19) VCF-style: chr16-2136281-C-T.
Other names: c.4549C>T, p.Leu1517= (NM_001077183.3); c.4681C>T, p.Leu1561= (NM_001114382.3); c.4441C>T, p.Leu1481= (NM_001318827.2); c.4405C>T, p.Leu1469= (NM_001318829.2); c.4018C>T, p.Leu1340= (NM_001318831.2); c.4582C>T, p.Leu1528= (NM_001318832.2); c.4552C>T, p.Leu1518= (NM_001363528.2); c.4618C>T, p.Leu1540= (NM_001370404.1); and 2 more.
Identifiers: ClinVar variation 1668522 (VCV001668522.11), dbSNP rs2151572888, ClinGen allele CA493043546.